The following is an entry in ClinVar:

ClinVar aggregate classification (germline): Likely benign. Review status: criteria provided, multiple submitters, no conflicts (2 of 4 stars). 6 submissions from 6 submitters: Likely benign (6). Last evaluated 2026-03-20.

Conditions:
Cardiovascular phenotype. Identifiers: MedGen CN230736.
TTN-related disorder. Also called: TTN-related disorders; TTN-related condition; TTN-related disease.
Cardiomyopathy (CMYO). Also called: Cardiomyopathies. Identifiers: Orphanet 167848, MedGen C0878544, MONDO:0004994, HP:0001638. Inheritance: Various modes of inheritance.
Dilated cardiomyopathy 1G (CMD1G). Identifiers: Orphanet 154, MedGen C1858763, MONDO:0011400, OMIM 604145.
Autosomal recessive limb-girdle muscular dystrophy type 2J (LGMDR10). Also called: Limb-girdle muscular dystrophy, type 2J; MUSCULAR DYSTROPHY, LIMB-GIRDLE, AUTOSOMAL RECESSIVE 10. Identifiers: Orphanet 140922, MedGen C1837342, MONDO:0012127, OMIM 608807.

Allele frequency attached by ClinVar (database versions not stated): gnomAD exomes below 0.00001; ExAC 0.00001; gnomAD 0.00001 and 0.00002; TOPMed 0.00003.
gnomAD v4.1: 4 of 1,613,928 alleles (0.00025%); highest among the groups gnomAD compares: African/African-American, 0.0053%; no homozygotes.

Submissions (6):

Women's Health and Genetics/Laboratory Corporation of America, LabCorp
Classification: Likely benign. Last evaluated: 2026-03-20. Review status: criteria provided, single submitter. Criteria: LabCorp Variant Classification Summary - May 2015. Collection method: clinical testing. Allele origin: germline.

PreventionGenetics, part of Exact Sciences
Classification: Likely benign for TTN-related condition. Last evaluated: 2025-05-21. Review status: criteria provided, single submitter. Criteria: ACMG Guidelines, 2015. Collection method: clinical testing. Allele origin: germline.
Comment: This variant is classified as likely benign based on ACMG/AMP sequence variant interpretation guidelines (Richards et al. 2015 PMID: 25741868, with internal and published modifications).

Labcorp Genetics (formerly Invitae), Labcorp
Classification: Likely benign for Dilated cardiomyopathy 1G; Autosomal recessive limb-girdle muscular dystrophy type 2J. Last evaluated: 2025-04-01. Review status: criteria provided, single submitter. Criteria: Invitae Variant Classification Sherloc (09022015). Collection method: clinical testing. Allele origin: germline.

CHEO Genetics Diagnostic Laboratory, Children's Hospital of Eastern Ontario
Classification: Likely benign for Cardiomyopathy. Last evaluated: 2021-06-02. Review status: criteria provided, single submitter. Criteria: ACMG Guidelines, 2015. Collection method: clinical testing. Allele origin: germline.

GeneDx
Classification: Likely benign. Last evaluated: 2020-05-19. Review status: criteria provided, single submitter. Criteria: GeneDx Variant Classification Process June 2021. Collection method: clinical testing. Allele origin: germline. Affected: yes.

Ambry Genetics
Classification: Likely benign for Cardiovascular phenotype. Last evaluated: 2020-01-17. Review status: criteria provided, single submitter. Criteria: Ambry Variant Classification Scheme 2023. Collection method: clinical testing. Allele origin: germline.

NM_001267550.2(TTN):c.6942T>C (p.Ile2314=)

Genes: TTN (titin; minus strand), LOC126806433 (BRD4-independent group 4 enhancer GRCh37_chr2:179638309-179639508; plus strand). Cytogenetic location: 2q31.2.
Variant type: single nucleotide variant.
Coding change: c.6942T>C on transcript NM_001267550.2 (MANE Select); coding-DNA position 6942, T replaced by C.
Protein change: p.Ile2314=; no amino-acid change (isoleucine 2314 retained).
Molecular consequence: synonymous variant.
Genome position (GRCh38, 1-based): chr2:178,774,322, A>G on the plus strand (T>C on the coding strand, the complement: TTN is on the minus strand). VCF-style: chr2-178774322-A-G. GRCh37 (hg19) VCF-style: chr2-179639049-A-G.
Other names: c.6942T>C, p.Ile2314= (NM_001256850.1, NM_133378.4, NM_133379.5); c.6804T>C, p.Ile2268= (NM_003319.4, NM_133432.3, NM_133437.4).
Identifiers: ClinVar variation 1185902 (VCV001185902.13), dbSNP rs762511156, ClinGen allele CA2004935.